The following is an entry in ClinVar:

NM_152564.5(VPS13B):c.3874G>A (p.Asp1292Asn)

Gene: VPS13B (vacuolar protein sorting 13 homolog B; plus strand). Cytogenetic location: 8q22.2.
Variant type: single nucleotide variant.
Coding change: c.3874G>A on transcript NM_152564.5 (MANE Select); coding-DNA position 3874, G replaced by A.
Protein change: p.Asp1292Asn; replaces aspartic acid 1292 with asparagine.
Molecular consequence: missense variant.
Genome position (GRCh38, 1-based): chr8:99,501,690, G>A. VCF-style: chr8-99501690-G-A. GRCh37 (hg19) VCF-style: chr8-100513918-G-A.
Other names: c.3874G>A, p.Asp1292Asn (NM_017890.5); short protein forms D1292N.
Identifiers: ClinVar variation 2138887 (VCV002138887.3), dbSNP rs150662496, ClinGen allele CA4823369.

ClinVar aggregate classification (germline): Uncertain significance. Review status: criteria provided, multiple submitters, no conflicts (2 of 4 stars). 3 submissions from 3 submitters: Uncertain significance (3). Last evaluated 2025-09-03.

Conditions:
VPS13B-related disorder. Also called: VPS13B-related condition.
Cohen syndrome (COH1). Also called: PEPPER SYNDROME; Cutis verticis gyrata, retinitis pigmentosa, and sensorineural deafness. Identifiers: Orphanet 193, MedGen C0265223, MONDO:0008999, OMIM 216550.

Allele frequency attached by ClinVar (database versions not stated): ExAC 0.00001; gnomAD exomes 0.00001; ESP Exome Variant Server 0.00008.
gnomAD v4.1: 16 of 1,613,832 alleles (0.00099%); highest among the groups gnomAD compares: Non-Finnish European, 0.0014%; no homozygotes.

Submissions (3):

Myriad Genetics, Inc.
Classification: Uncertain significance for Cohen syndrome. Last evaluated: 2025-09-03. Review status: criteria provided, single submitter. Criteria: Myriad Autosomal Dominant, Autosomal Recessive and X-Linked Classification Criteria (2023). Collection method: clinical testing. Allele origin: unknown.
Comment: NM_017890.4(VPS13B):c.3874G>A(D1292N) is a missense variant classified as a variant of uncertain significance in the context of Cohen syndrome. D1292N has been observed in a case with relevant disease (PMID: 38928247). Relevant functional assessments of this variant are not available in the literature. D1292N has been observed in referenced population frequency databases. In summary, there is insufficient evidence to classify NM_017890.4(VPS13B):c.3874G>A(D1292N) as pathogenic or benign. Please note: this variant was assessed in the context of healthy population screening.

PreventionGenetics, part of Exact Sciences
Classification: Uncertain significance for VPS13B-related condition. Last evaluated: 2024-10-10. Review status: criteria provided, single submitter. Criteria: ACMG Guidelines, 2015. Collection method: clinical testing. Allele origin: germline.
Comment: The VPS13B c.3874G>A variant is predicted to result in the amino acid substitution p.Asp1292Asn. To our knowledge, this variant has not been reported in the literature. This variant is reported in 0.0026% of alleles in individuals of European (Non-Finnish) descent in gnomAD. At this time, the clinical significance of this variant is uncertain due to the absence of conclusive functional and genetic evidence.

Labcorp Genetics (formerly Invitae), Labcorp
Classification: Uncertain significance for Cohen syndrome. Last evaluated: 2022-09-13. Review status: criteria provided, single submitter. Criteria: Invitae Variant Classification Sherloc (09022015). Collection method: clinical testing. Allele origin: germline.
Comment: This sequence change replaces aspartic acid with asparagine at codon 1292 of the VPS13B protein (p.Asp1292Asn). The aspartic acid residue is moderately conserved and there is a small physicochemical difference between aspartic acid and asparagine. This variant is present in population databases (rs150662496, gnomAD 0.003%). This variant has not been reported in the literature in individuals affected with VPS13B-related conditions. Advanced modeling of protein sequence and biophysical properties (such as structural, functional, and spatial information, amino acid conservation, physicochemical variation, residue mobility, and thermodynamic stability) performed at Invitae indicates that this missense variant is expected to disrupt VPS13B protein function. In summary, the available evidence is currently insufficient to determine the role of this variant in disease. Therefore, it has been classified as a Variant of Uncertain Significance.

Literature cited by the submitters: PubMed 38928247 (cited by Myriad Genetics, Inc.).